The following is an entry in ClinVar:

ClinVar aggregate classification (germline): Uncertain significance (1 of 4 stars; one submission).

Submission:

GeneDx
Classification: Uncertain significance. Last evaluated: 2025-06-13. Review status: criteria provided, single submitter. Criteria: GeneDx Variant Classification Process June 2021. Collection method: clinical testing. Allele origin: germline. Affected: yes.
Comment: Not observed at significant frequency in large population cohorts (gnomAD); In silico analysis supports that this missense variant has a deleterious effect on protein structure/function; Has not been previously published as pathogenic or benign to our knowledge

NM_207034.3(EDN3):c.312C>G (p.Asp104Glu)

Gene: EDN3 (endothelin 3; plus strand). Cytogenetic location: 20q13.32.
Variant type: single nucleotide variant.
Coding change: c.312C>G on transcript NM_207034.3 (MANE Select); coding-DNA position 312, C replaced by G.
Protein change: p.Asp104Glu; replaces aspartic acid 104 with glutamic acid.
Molecular consequence: missense variant.
Genome position (GRCh38, 1-based): chr20:59,301,669, C>G. VCF-style: chr20-59301669-C-G. GRCh37 (hg19) VCF-style: chr20-57876724-C-G.
Other names: c.312C>G, p.Asp104Glu (NM_001302455.2, NM_001302456.2, NM_001424361.1 and 4 more transcripts); short protein forms D104E.
Identifiers: ClinVar variation 4538028 (VCV004538028.1).